The following is an entry in ClinVar:

NM_000038.6(APC):c.2522T>G (p.Leu841Ter)

Gene: APC (APC regulator of Wnt signaling pathway; plus strand). Cytogenetic location: 5q22.2.
Variant type: single nucleotide variant.
Coding change: c.2522T>G on transcript NM_000038.6 (MANE Select); coding-DNA position 2522, T replaced by G.
Protein change: p.Leu841Ter; replaces leucine 841 with a stop codon.
Molecular consequence: nonsense.
Genome position (GRCh38, 1-based): chr5:112,838,116, T>G. VCF-style: chr5-112838116-T-G. GRCh37 (hg19) VCF-style: chr5-112173813-T-G.
Other names: c.2522T>G, p.Leu841Ter (NM_001127510.3, NM_001354895.2, NM_001407450.1); c.2468T>G, p.Leu823Ter (NM_001127511.3); c.2576T>G, p.Leu859Ter (NM_001354896.2, NM_001407447.1, NM_001407448.1 and 1 more transcripts); c.2552T>G, p.Leu851Ter (NM_001354897.2); c.2447T>G, p.Leu816Ter (NM_001354898.2); c.2438T>G, p.Leu813Ter (NM_001354899.2); c.2399T>G, p.Leu800Ter (NM_001354900.2); c.2345T>G, p.Leu782Ter (NM_001354901.2, NM_001407453.1); and 11 more; short protein forms L457*, L715*, L740*, L800*, L816*, L823*, L681*, L869*.
Identifiers: ClinVar variation 2203686 (VCV002203686.5), dbSNP rs2149871600, ClinGen allele CA16026857.

ClinVar aggregate classification (germline): Pathogenic. Review status: criteria provided, multiple submitters, no conflicts (2 of 4 stars). 2 submissions from 2 submitters: Pathogenic (2). Last evaluated 2024-08-23.

Conditions:
Classic or attenuated familial adenomatous polyposis. Identifiers: MedGen CN372698, MONDO:0021057.
Familial adenomatous polyposis 1 (FAP1). Also called: POLYPOSIS, ADENOMATOUS INTESTINAL; FAMILIAL ADENOMATOUS POLYPOSIS 1, ATTENUATED. Identifiers: MedGen C2713442, MONDO:0021056, OMIM 175100. Disease mechanism: loss of function.

Submissions (2):

All of Us Research Program, National Institutes of Health
Classification: Pathogenic for Classic or attenuated familial adenomatous polyposis. Last evaluated: 2024-08-23. Review status: criteria provided, single submitter. Criteria: ACMG Guidelines, 2015. Collection method: clinical testing. Allele origin: germline. Inheritance: Autosomal dominant inheritance. Observed: 1 variant allele, 1 heterozygote.
Comment: This variant changes 1 nucleotide in exon 16 of the APC gene, creating a premature translation stop signal in the last coding exon. This variant is predicted to escape nonsense-mediated decay and be expressed as a truncated protein. Although functional studies have not been reported, this variant is expected to disrupt the armadillo region, beta-catenin binding, SAMP-repeats, basic domain, and the EB1 and HDLG binding domains (PMID: 11257105 ). This variant has been reported in two individuals affected with familial adenomatous polyposis (PMID: 20685668). This variant has not been identified in the general population by the Genome Aggregation Database (gnomAD). Loss of APC function is a known mechanism of disease. Based on the available evidence, this variant is classified as Pathogenic.

This study involves interpretation of variants in research participants for the purpose of population health screening. Participant phenotype was not available at the time of variant classification. Additional details can be found in publication PMID: 35346344, PMCID: PMC8962531

Labcorp Genetics (formerly Invitae), Labcorp
Classification: Pathogenic for Familial adenomatous polyposis 1. Last evaluated: 2023-10-05. Review status: criteria provided, single submitter. Criteria: Invitae Variant Classification Sherloc (09022015). Collection method: clinical testing. Allele origin: germline.
Comment: This sequence change creates a premature translational stop signal (p.Leu841*) in the APC gene. While this is not anticipated to result in nonsense mediated decay, it is expected to disrupt the last 2003 amino acid(s) of the APC protein. This variant is not present in population databases (gnomAD no frequency). This premature translational stop signal has been observed in individual(s) with familial adenomatous polyposis (PMID: 20685668). ClinVar contains an entry for this variant (Variation ID: 2203686). This variant is expected to disrupt the EB1 and HDLG binding sites, which mediate interactions with the cytoskeleton (PMID: 15311282, 17293347). While functional studies have not been performed to directly test the effect on APC protein function, this suggests that disruption of the C-terminal portion of the protein is functionally important. This variant disrupts a region of the APC protein in which other variant(s) (p.Tyr2645Lysfs*14) have been determined to be pathogenic (PMID: 1316610, 8381579, 9824584, 22135120, 27081525; Invitae). This suggests that this is a clinically significant region of the protein, and that variants that disrupt it are likely to be disease-causing. For these reasons, this variant has been classified as Pathogenic.

Literature cited by the submitters: PubMed 11257105 (cited by All of Us Research Program, National Institutes of Health); PubMed 20685668 (cited by All of Us Research Program, National Institutes of Health and Labcorp Genetics (formerly Invitae), Labcorp); PubMed 15311282 (cited by Labcorp Genetics (formerly Invitae), Labcorp); PubMed 17293347 (cited by Labcorp Genetics (formerly Invitae), Labcorp); PubMed 1316610 (cited by Labcorp Genetics (formerly Invitae), Labcorp); PubMed 8381579 (cited by Labcorp Genetics (formerly Invitae), Labcorp); PubMed 9824584 (cited by Labcorp Genetics (formerly Invitae), Labcorp); PubMed 22135120 (cited by Labcorp Genetics (formerly Invitae), Labcorp); PubMed 27081525 (cited by Labcorp Genetics (formerly Invitae), Labcorp).